The following is an entry in ClinVar:

ClinVar aggregate classification (germline): Likely pathogenic (1 of 4 stars; one submission).

Conditions:
Polyglandular autoimmune syndrome, type 1 (APS1). Also called: PGA I; Autoimmune polyendocrinopathy syndrome , type I, with or without reversible metaphyseal dysplasia; AUTOIMMUNE POLYENDOCRINE SYNDROME, TYPE I, WITH OR WITHOUT REVERSIBLE METAPHYSEAL DYSPLASIA; APS I; Whitaker syndrome; HYPOADRENOCORTICISM WITH HYPOPARATHYROIDISM AND SUPERFICIAL MONILIASIS. Identifiers: Orphanet 3453, MedGen C0085859, MONDO:0009411, OMIM 240300.

Submission:

Natera, Inc.
Classification: Likely pathogenic for Polyglandular autoimmune syndrome type 1. Last evaluated: 2026-01-15. Review status: criteria provided, single submitter. Criteria: Natera Variant Classification Schema (03/2026). Collection method: clinical testing. Allele origin: germline.
Comment: The c.1062del variant in AIRE is a frameshift variant predicted to shift the reading frame beginning at codon 354 and leads to a stop codon 24 codons downstream. This variant is expected to result in nonsense mediated decay, truncation, or a dysfunctional protein product. This variant is rare in the general population with a frequency below the threshold expected for the associated phenotype(s). Given the available evidence, this variant is classified as Likely Pathogenic.

NM_000383.4(AIRE):c.1062del (p.Glu354fs)

Gene: AIRE (autoimmune regulator; plus strand). Cytogenetic location: 21q22.3.
Variant type: Deletion.
Coding change: c.1062del on transcript NM_000383.4 (MANE Select); coding-DNA position 1062, one base deleted (G; older notation c.1062delG).
Protein change: p.Glu354fs; shifts the reading frame from glutamic acid 354.
Molecular consequence: frameshift variant.
Genome position (GRCh38, 1-based): chr21:44,292,368, G deleted. VCF-style (leftmost placement, unchanged base first): chr21-44292367-AG-A. GRCh37 (hg19) VCF-style: chr21-45712250-AG-A.
Other names: short protein forms E354fs.
Identifiers: ClinVar variation 4818284 (VCV004818284.1).
Genomic context (GRCh38, chr21:44,292,367, plus strand): 5'-CCTGGAGGTGCTCCAGCTGCCTGCAGGCAACAGTCCAGGAGGTGCAGCCCCGGGCAGAGG[AG>A]CCCCGGCCCCAGGAGCCACCCGTGGAGACCCCGGTATGGCCACGCCCCCTCCTAGCCGGG-3'